The following is an entry in ClinVar:

ClinVar aggregate classification (germline): Uncertain significance (1 of 4 stars; one submission).

Conditions:
PLXNA3-related disorder. Also called: PLXNA3-related condition.

Submission:

PreventionGenetics, part of Exact Sciences
Classification: Uncertain significance for PLXNA3-related condition. Last evaluated: 2026-08-12. Review status: criteria provided, single submitter. Criteria: ACMG Guidelines, 2015. Collection method: clinical testing. Allele origin: germline.
Comment: The PLXNA3 c.1246A>G variant is predicted to result in the amino acid substitution p.Ser416Gly. To our knowledge, this variant has not been reported in the literature or in a large population database (gnomAD), indicating this variant is rare. At this time, the clinical significance of this variant is uncertain due to the absence of conclusive functional and genetic evidence.

NM_017514.5(PLXNA3):c.1246A>G (p.Ser416Gly)

Gene: PLXNA3 (plexin A3; plus strand). Cytogenetic location: Xq28.
Variant type: single nucleotide variant.
Coding change: c.1246A>G on transcript NM_017514.5 (MANE Select); coding-DNA position 1246, A replaced by G.
Protein change: p.Ser416Gly; replaces serine 416 with glycine.
Molecular consequence: missense variant.
Genome position (GRCh38, 1-based): chrX:154,462,239, A>G. VCF-style: chrX-154462239-A-G. GRCh37 (hg19) VCF-style: chrX-153690579-A-G.
Other names: short protein forms S416G.
Identifiers: ClinVar variation 4991001 (VCV004991001.1).
Genomic context (GRCh38, chrX:154,462,239, plus strand): 5'-GGAGGCCTGCATGTGATCGAGGGGCTGCCCCTGCTGGCCGACAGCACCGACGGCATGGCC[A>G]GCGTGGCCGCCTACACCTACCGCCAGCACTCTGTGGTCTTCATTGGCACGCGCAGCGGCA-3'
Protein context (NP_059984.3, residues 406-426): LLADSTDGMA[Ser416Gly]VAAYTYRQHS